The following is an entry in ClinVar:

ClinVar aggregate classification (germline): Uncertain significance (1 of 4 stars; one submission).

Conditions:
Hypertrophic cardiomyopathy. Also called: HYPERTROPHIC MYOCARDIOPATHY. Identifiers: Orphanet 217569, MedGen C0007194, MeSH D002312, MONDO:0005045, HP:0001639.

Submission:

Labcorp Genetics (formerly Invitae), Labcorp
Classification: Uncertain significance for Hypertrophic cardiomyopathy. Last evaluated: 2025-10-12. Review status: criteria provided, single submitter. Criteria: Invitae Variant Classification Sherloc (09022015). Collection method: clinical testing. Allele origin: germline.
Comment: This sequence change falls in intron 31 of the MYH7 gene. It does not directly change the encoded amino acid sequence of the MYH7 protein. It affects a nucleotide within the consensus splice site. This variant is present in population databases (rs200436876, gnomAD 0.0009%). This variant has not been reported in the literature in individuals affected with MYH7-related conditions. Variants that disrupt the consensus splice site are a relatively common cause of aberrant splicing (PMID: 17576681, 9536098). Algorithms developed to predict the effect of sequence changes on RNA splicing suggest that this variant is not likely to affect RNA splicing. In summary, the available evidence is currently insufficient to determine the role of this variant in disease. Therefore, it has been classified as a Variant of Uncertain Significance.

Literature cited by the submitters: PubMed 17576681; PubMed 9536098.

NM_000257.4(MYH7):c.4353+5G>T

Genes: MHRT (myosin heavy chain associated RNA transcript; plus strand), MYH7 (myosin heavy chain 7; minus strand). Cytogenetic location: 14q11.2.
Variant type: single nucleotide variant.
Coding change: c.4353+5G>T on transcript NM_000257.4 (MANE Select); 5 bases into the intron after coding-DNA position 4353, G replaced by T.
Molecular consequence: intron variant.
Genome position (GRCh38, 1-based): chr14:23,417,498, C>A on the plus strand (G>T on the coding strand, the complement: MYH7 is on the minus strand). VCF-style: chr14-23417498-C-A. GRCh37 (hg19) VCF-style: chr14-23886707-C-A.
Other names: c.4353+5G>T (NM_001407004.1).
Identifiers: ClinVar variation 4728655 (VCV004728655.1).
Genomic context (GRCh38, chr14:23,417,498, plus strand): 5'-CTCTCACTGAACCCCTCATGCCCCCTTGCCCTGCATGCTGGCTGCGGCCCCCACCCAGGG[C>A]CCACCTTGTCGAAGTTCCTCTGCTTCTTGTCCAGGGCTGCAGCAGCAGCATTGGAGCGCT-3'